The following is an entry in ClinVar:

ClinVar aggregate classification (germline): Uncertain significance (1 of 4 stars; one submission).

Conditions:
RASopathy. Also called: Noonan spectrum disorder; rasopathies. Identifiers: Orphanet 536391, MedGen C5555857, MONDO:0021060.

Submission:

Labcorp Genetics (formerly Invitae), Labcorp
Classification: Uncertain significance for RASopathy. Last evaluated: 2024-01-25. Review status: criteria provided, single submitter. Criteria: Invitae Variant Classification Sherloc (09022015). Collection method: clinical testing. Allele origin: germline.
Comment: This sequence change replaces serine, which is neutral and polar, with tyrosine, which is neutral and polar, at codon 817 of the CBL protein (p.Ser817Tyr). This variant is not present in population databases (gnomAD no frequency). This variant has not been reported in the literature in individuals affected with CBL-related conditions. Advanced modeling of protein sequence and biophysical properties (such as structural, functional, and spatial information, amino acid conservation, physicochemical variation, residue mobility, and thermodynamic stability) performed at Invitae indicates that this missense variant is not expected to disrupt CBL protein function with a negative predictive value of 95%. In summary, the available evidence is currently insufficient to determine the role of this variant in disease. Therefore, it has been classified as a Variant of Uncertain Significance.

NM_005188.4(CBL):c.2450C>A (p.Ser817Tyr)

Gene: CBL (Cbl proto-oncogene; plus strand). Cytogenetic location: 11q23.3.
Variant type: single nucleotide variant.
Coding change: c.2450C>A on transcript NM_005188.4 (MANE Select); coding-DNA position 2450, C replaced by A.
Protein change: p.Ser817Tyr; replaces serine 817 with tyrosine.
Molecular consequence: missense variant.
Genome position (GRCh38, 1-based): chr11:119,299,510, C>A. VCF-style: chr11-119299510-C-A. GRCh37 (hg19) VCF-style: chr11-119170220-C-A.
Other names: short protein forms S817Y.
Identifiers: ClinVar variation 3633223 (VCV003633223.2).